The following is an entry in ClinVar:

ClinVar aggregate classification (germline): Conflicting classifications of pathogenicity. Review status: criteria provided, conflicting classifications (1 of 4 stars). 3 submissions from 3 submitters: Likely pathogenic (1); Uncertain significance (1). 1 of the submissions does not count toward it. Last evaluated 2023-05-16.

Conditions:
Ornithine carbamoyltransferase deficiency (OTCD). Also called: ORNITHINE TRANSCARBAMYLASE DEFICIENCY, HYPERAMMONEMIA DUE TO; ORNITHINE TRANSCARBAMYLASE DEFICIENCY; Ornithine Carbamoyltransferase Deficiency Disease; OTC DEFICIENCY. Identifiers: Orphanet 664, MedGen C0268542, MONDO:0010703, OMIM 311250.

Submissions (3):

All of Us Research Program, National Institutes of Health
Classification: Uncertain significance for Ornithine carbamoyltransferase deficiency. Last evaluated: 2023-05-16. Review status: criteria provided, single submitter. Criteria: ACMG Guidelines, 2015. Collection method: clinical testing. Allele origin: germline. Inheritance: X-linked inheritance. Observed: 1 variant allele, 1 homozygote.
Comment: This missense variant replaces threonine with alanine at codon 343 of the OTC protein. Computational prediction is inconclusive regarding the impact of this variant on protein structure and function (internally defined REVEL score threshold 0.5 < inconclusive < 0.7, PMID: 27666373). To our knowledge, functional studies have not been reported for this variant. This variant has not been reported in individuals affected with OTC-related disorders in the literature. This variant has not been identified in the general population by the Genome Aggregation Database (gnomAD). The available evidence is insufficient to determine the role of this variant in disease conclusively. Therefore, this variant is classified as a Variant of Uncertain Significance.

This study involves interpretation of variants in research participants for the purpose of population health screening. Participant phenotype was not available at the time of variant classification. Additional details can be found in publication PMID: 35346344, PMCID: PMC8962531

Labcorp Genetics (formerly Invitae), Labcorp
Classification: Likely pathogenic for Ornithine carbamoyltransferase deficiency. Last evaluated: 2022-12-18. Review status: criteria provided, single submitter. Criteria: Invitae Variant Classification Sherloc (09022015). Collection method: clinical testing. Allele origin: germline.
Comment: In summary, the currently available evidence indicates that the variant is pathogenic, but additional data are needed to prove that conclusively. Therefore, this variant has been classified as Likely Pathogenic. This variant disrupts the p.Thr343 amino acid residue in OTC. Other variant(s) that disrupt this residue have been determined to be pathogenic (PMID: 25433810; Invitae). This suggests that this residue is clinically significant, and that variants that disrupt this residue are likely to be disease-causing. Advanced modeling of protein sequence and biophysical properties (such as structural, functional, and spatial information, amino acid conservation, physicochemical variation, residue mobility, and thermodynamic stability) performed at Invitae indicates that this missense variant is expected to disrupt OTC protein function. This variant has not been reported in the literature in individuals affected with OTC-related conditions. This variant is not present in population databases (gnomAD no frequency). This sequence change replaces threonine, which is neutral and polar, with alanine, which is neutral and non-polar, at codon 343 of the OTC protein (p.Thr343Ala).

Natera, Inc.
Classification: Uncertain significance for Ornithine transcarbamylase deficiency. Last evaluated: 2025-02-26. Review status: no assertion criteria provided. Collection method: clinical testing. Allele origin: germline. Not counted in ClinVar's aggregate classification.

Literature cited by the submitters: PubMed 25433810 (cited by Labcorp Genetics (formerly Invitae), Labcorp).

NM_000531.6(OTC):c.1027A>G (p.Thr343Ala)

Gene: OTC (ornithine transcarbamylase; plus strand). Cytogenetic location: Xp11.4.
Variant type: single nucleotide variant.
Coding change: c.1027A>G on transcript NM_000531.6 (MANE Select); coding-DNA position 1027, A replaced by G.
Protein change: p.Thr343Ala; replaces threonine 343 with alanine.
Molecular consequence: missense variant.
Genome position (GRCh38, 1-based): chrX:38,421,044, A>G. VCF-style: chrX-38421044-A-G. GRCh37 (hg19) VCF-style: chrX-38280297-A-G.
Other names: c.1027A>G, p.Thr343Ala (NM_001407092.1); c.1027A>G (NM_000531.5); short protein forms T343A.
Identifiers: ClinVar variation 3013580 (VCV003013580.5), dbSNP rs2519986961, ClinGen allele CA412728047.